The following is an entry in ClinVar:

ClinVar aggregate classification (germline): Benign/Likely benign. Review status: criteria provided, multiple submitters, no conflicts (2 of 4 stars). 5 submissions from 5 submitters: Benign (1); Likely benign (4). Last evaluated 2025-07-27.

Conditions:
Hereditary cancer-predisposing syndrome. Also called: Hereditary neoplastic syndrome; Tumor predisposition; Neoplastic Syndromes, Hereditary; Hereditary Cancer Syndrome. Identifiers: Orphanet 140162, MedGen C0027672, MeSH D009386, MONDO:0015356.
Familial cancer of breast. Also called: Hereditary breast cancer; BREAST CANCER, FAMILIAL; hereditary breast carcinoma. Identifiers: Orphanet 227535, MedGen C0346153, MONDO:0016419, OMIM 114480. Disease mechanism: loss of function.
Ataxia-telangiectasia syndrome (AT). Also called: LOUIS-BAR SYNDROME; ATAXIA-TELANGIECTASIA, COMPLEMENTATION GROUP A; ATAXIA-TELANGIECTASIA, FRESNO VARIANT; Ataxia-telangiectasia; Ataxia telangiectasia (A-T); Cerebello-oculocutaneous telangiectasia. Identifiers: Orphanet 100, MedGen C0004135, MONDO:0008840, OMIM 208900.

gnomAD v4.1: 6 of 1,612,948 alleles (0.00037%); highest among the groups gnomAD compares: East Asian, 0.0045%; no homozygotes.

Submissions (5):

Labcorp Genetics (formerly Invitae), Labcorp
Classification: Likely benign for Ataxia-telangiectasia syndrome. Last evaluated: 2025-07-27. Review status: criteria provided, single submitter. Criteria: Invitae Variant Classification Sherloc (09022015). Collection method: clinical testing. Allele origin: germline.

Myriad Genetics, Inc.
Classification: Benign for Familial cancer of breast. Last evaluated: 2024-05-08. Review status: criteria provided, single submitter. Criteria: Myriad Autosomal Dominant, Autosomal Recessive and X-Linked Classification Criteria (2023). Collection method: clinical testing. Allele origin: unknown.
Comment: This variant is considered benign. This variant is a silent/synonymous amino acid change and it is not expected to impact splicing.

Color Diagnostics, LLC DBA Color Health
Classification: Likely benign for Hereditary cancer-predisposing syndrome. Last evaluated: 2019-05-28. Review status: criteria provided, single submitter. Criteria: ACMG Guidelines, 2015. Collection method: clinical testing. Allele origin: germline.

Ambry Genetics
Classification: Likely benign for Hereditary cancer-predisposing syndrome. Last evaluated: 2019-05-20. Review status: criteria provided, single submitter. Criteria: Ambry Variant Classification Scheme 2023. Collection method: clinical testing. Allele origin: germline.

GeneDx
Classification: Likely benign. Last evaluated: 2016-11-21. Review status: criteria provided, single submitter. Criteria: GeneDx Variant Classification (06012015). Collection method: clinical testing. Allele origin: germline. Affected: yes.
Comment: This variant is considered likely benign or benign based on one or more of the following criteria: it is a conservative change, it occurs at a poorly conserved position in the protein, it is predicted to be benign by multiple in silico algorithms, and/or has population frequency not consistent with disease.

NM_000051.4(ATM):c.2254C>T (p.Leu752=)

Gene: ATM (ATM serine/threonine kinase; plus strand). Cytogenetic location: 11q22.3.
Variant type: single nucleotide variant.
Coding change: c.2254C>T on transcript NM_000051.4 (MANE Select); coding-DNA position 2254, C replaced by T.
Protein change: p.Leu752=; no amino-acid change (leucine 752 retained).
Molecular consequence: synonymous variant.
Genome position (GRCh38, 1-based): chr11:108,257,484, C>T. VCF-style: chr11-108257484-C-T. GRCh37 (hg19) VCF-style: chr11-108128211-C-T.
Other names: c.2254C>T, p.Leu752= (NM_001351834.2).
Identifiers: ClinVar variation 383575 (VCV000383575.19), dbSNP rs756522395, ClinGen allele CA16606037.
Genomic context (GRCh38, chr11:108,257,484, plus strand): 5'-GCAATACTAAACTATAATTTTAACTGGAATTTGCATTTTTCCTTCTATTCACAATAGTCT[C>T]TAATGCAATGTGCAGGAGAAAGTATCACTCTGTTTAAAAATAAGACAAATGAGGAATTCA-3'
Protein context (NP_000042.3, residues 742-762): KSELFQKAKS[Leu752=]MQCAGESITL